The following is an entry in ClinVar:

ClinVar aggregate classification (germline): Likely pathogenic (1 of 4 stars; one submission).

Submission:

GeneDx
Classification: Likely pathogenic. Last evaluated: 2020-09-30. Review status: criteria provided, single submitter. Criteria: GeneDx Variant Classification Process June 2021. Collection method: clinical testing. Allele origin: germline. Affected: yes.
Comment: In-frame deletion of one amino acid in a non-repeat region; In silico analysis supports a deleterious effect on protein structure/function; Has not been previously published as pathogenic or benign to our knowledge; This variant is associated with the following publications: (PMID: 32935379, 33085210, 33419638)

NM_001099857.5(IKBKG):c.973AAG[1] (p.Lys326del)

Gene: IKBKG (inhibitor of nuclear factor kappa B kinase regulatory subunit gamma; plus strand). Cytogenetic location: Xq28.
Variant type: Microsatellite.
Coding change: c.973AAG[1] on transcript NM_001099857.5 (MANE Select); one copy of the 3-base unit AAG starting at c.973; the reference has two copies in a row; one copy, 3 bases deleted.
Protein change: p.Lys326del; deletes lysine 326.
Molecular consequence: inframe deletion. On other transcripts: non-coding transcript variant (1).
Genome position (GRCh38, 1-based): chrX:154,563,622-154,563,624, AAG deleted; deleting any 3 consecutive bases within chrX:154,563,617-154,563,624 gives the same sequence; the position shown is the placement nearest the transcript's 3' end. VCF-style (leftmost placement, unchanged base first): chrX-154563616-GAGA-G. GRCh37 (hg19) VCF-style: chrX-153791831-GAGA-G.
Other names: c.1177AAG[1], p.Lys394del (NM_001099856.6); c.676AAG[1], p.Lys227del (NM_001145255.4); c.973AAG[1], p.Lys326del (NM_001321396.3, NM_001377312.1, NM_003639.4); c.970AAG[1], p.Lys325del (NM_001321397.3, NM_001377313.1); c.817AAG[1], p.Lys274del (NM_001377314.1); c.604AAG[1], p.Lys203del (NM_001377315.1); short protein forms K203del, K227del, K274del, K325del, K326del, K394del.
Identifiers: ClinVar variation 1678789 (VCV001678789.2), dbSNP rs2148385109, ClinGen allele CA2580612534.